The following is an entry in ClinVar:

ClinVar aggregate classification (germline): Uncertain significance (1 of 4 stars; one submission).

Submission:

Labcorp Genetics (formerly Invitae), Labcorp
Classification: Uncertain significance. Last evaluated: 2024-05-28. Review status: criteria provided, single submitter. Criteria: Invitae Variant Classification Sherloc (09022015). Collection method: clinical testing. Allele origin: germline.
Comment: This sequence change replaces arginine, which is basic and polar, with lysine, which is basic and polar, at codon 301 of the ALPL protein (p.Arg301Lys). This variant is not present in population databases (gnomAD no frequency). This variant has not been reported in the literature in individuals affected with ALPL-related conditions. ClinVar contains an entry for this variant (Variation ID: 1002506). Advanced modeling of protein sequence and biophysical properties (such as structural, functional, and spatial information, amino acid conservation, physicochemical variation, residue mobility, and thermodynamic stability) performed at Invitae indicates that this missense variant is expected to disrupt ALPL protein function with a positive predictive value of 95%. In summary, the available evidence is currently insufficient to determine the role of this variant in disease. Therefore, it has been classified as a Variant of Uncertain Significance.

NM_000478.6(ALPL):c.902G>A (p.Arg301Lys)

Gene: ALPL (alkaline phosphatase, biomineralization associated; plus strand). Cytogenetic location: 1p36.12.
Variant type: single nucleotide variant.
Coding change: c.902G>A on transcript NM_000478.6 (MANE Select); coding-DNA position 902, G replaced by A.
Protein change: p.Arg301Lys; replaces arginine 301 with lysine.
Molecular consequence: missense variant.
Genome position (GRCh38, 1-based): chr1:21,573,704, G>A. VCF-style: chr1-21573704-G-A. GRCh37 (hg19) VCF-style: chr1-21900197-G-A.
Other names: c.737G>A, p.Arg246Lys (NM_001127501.4); c.671G>A, p.Arg224Lys (NM_001177520.3); c.902G>A, p.Arg301Lys (NM_001369803.2, NM_001369804.2, NM_001369805.2); short protein forms R224K, R246K, R301K.
Identifiers: ClinVar variation 1002506 (VCV001002506.7), dbSNP rs1644684840, ClinGen allele CA338880247.
Genomic context (GRCh38, chr1:21,573,704, plus strand): 5'-TCCTCCTGGCGTCCTCCTCAGGTCTCTTCGAGCCAGGGGACATGCAGTACGAGCTGAACA[G>A]GAACAACGTGACGGACCCGTCACTCTCCGAGATGGTGGTGGTGGCCATCCAGATCCTGCG-3'
Protein context (NP_000469.3, residues 291-311): EPGDMQYELN[Arg301Lys]NNVTDPSLSE